The following is an entry in ClinVar:

ClinVar aggregate classification (germline): Benign. Review status: criteria provided, multiple submitters, no conflicts (2 of 4 stars). 2 submissions from 2 submitters: Benign (2). Last evaluated 2018-06-14.

Allele frequency attached by ClinVar (database versions not stated): 1000 Genomes Project 0.03534; 1000 Genomes Project 30x 0.03545; TOPMed 0.04745; gnomAD 0.04997 and 0.05106; gnomAD exomes 0.05791.
gnomAD v4.1: 52,923 of 933,786 alleles (5.7%); highest among the groups gnomAD compares: Non-Finnish European, 6.5%; 1,736 homozygotes.

Submissions (2):

GeneDx
Classification: Benign. Last evaluated: 2018-06-14. Review status: criteria provided, single submitter. Criteria: GeneDx Variant Classification (06012015). Collection method: clinical testing. Allele origin: germline. Affected: yes.
Comment: This variant is considered likely benign or benign based on one or more of the following criteria: it is a conservative change, it occurs at a poorly conserved position in the protein, it is predicted to be benign by multiple in silico algorithms, and/or has population frequency not consistent with disease.

Breakthrough Genomics
Classification: Benign. Review status: criteria provided, single submitter. Criteria: ACMG Guidelines, 2015. Collection method: not provided. Allele origin: germline. Inheritance: Autosomal recessive inheritance. Affected: yes.

NM_000083.3(CLCN1):c.2404-90C>T

Gene: CLCN1 (chloride voltage-gated channel 1; plus strand). Cytogenetic location: 7q34.
Variant type: single nucleotide variant.
Coding change: c.2404-90C>T on transcript NM_000083.3 (MANE Select); 90 bases into the intron before coding-DNA position 2404, C replaced by T.
Molecular consequence: intron variant.
Genome position (GRCh38, 1-based): chr7:143,350,282, C>T. VCF-style: chr7-143350282-C-T. GRCh37 (hg19) VCF-style: chr7-143047375-C-T.
Identifiers: ClinVar variation 680268 (VCV000680268.2), dbSNP rs41277416, ClinGen allele CA12690479.